The following is an entry in ClinVar:

ClinVar aggregate classification (germline): Benign. Review status: criteria provided, multiple submitters, no conflicts (2 of 4 stars). 3 submissions from 3 submitters: Benign (3). Last evaluated 2021-05-08.

Conditions:
Weill-Marchesani 4 syndrome, recessive. Also called: Weill-Marchesani syndrome 4. Identifiers: Orphanet 363992, MedGen C2750787, MONDO:0013176, OMIM 613195.

Allele frequency attached by ClinVar (database versions not stated): 1000 Genomes Project 0.58806; 1000 Genomes Project 30x 0.59416; TOPMed 0.62335; gnomAD 0.63664 and 0.64072; gnomAD exomes 0.72449.
gnomAD v4.1: 96,489 of 151,622 alleles (64%); highest among the groups gnomAD compares: Non-Finnish European, 66%; 30,873 homozygotes.

Submissions (3):

GeneDx
Classification: Benign. Last evaluated: 2021-05-08. Review status: criteria provided, single submitter. Criteria: GeneDx Variant Classification Process June 2021. Collection method: clinical testing. Allele origin: germline. Affected: yes.

Illumina Laboratory Services, Illumina
Classification: Benign for Weill-Marchesani 4 syndrome, recessive. Last evaluated: 2018-01-12. Review status: criteria provided, single submitter. Criteria: ICSL Variant Classification Criteria 13 December 2019. Collection method: clinical testing. Allele origin: germline.
Comment: This variant was observed in the ICSL laboratory as part of a predisposition screen in an ostensibly healthy population. It had not been previously curated by ICSL or reported in the Human Gene Mutation Database (HGMD: prior to June 1st, 2018), and was therefore a candidate for classification through an automated scoring system. Utilizing variant allele frequency, disease prevalence and penetrance estimates, and inheritance mode, an automated score was calculated to assess if this variant is too frequent to cause the disease. Based on the score and internal cut-off values, a variant classified as benign is not then subjected to further curation. The score for this variant resulted in a classification of benign for this disease.

Breakthrough Genomics
Classification: Benign. Review status: criteria provided, single submitter. Criteria: ACMG Guidelines, 2015. Collection method: not provided. Allele origin: germline. Inheritance: Autosomal recessive inheritance. Affected: yes.

NM_139057.4(ADAMTS17):c.*1083A>G

Gene: ADAMTS17 (ADAM metallopeptidase with thrombospondin type 1 motif 17; minus strand). Cytogenetic location: 15q26.3.
Variant type: single nucleotide variant.
Coding change: c.*1083A>G on transcript NM_139057.4 (MANE Select); 1083 bases downstream of the stop codon, A replaced by G.
Molecular consequence: 3 prime UTR variant.
Genome position (GRCh38, 1-based): chr15:99,973,319, T>C on the plus strand (A>G on the coding strand, the complement: ADAMTS17 is on the minus strand). VCF-style: chr15-99973319-T-C. GRCh37 (hg19) VCF-style: chr15-100513524-T-C.
Identifiers: ClinVar variation 315196 (VCV000315196.7), dbSNP rs2581362, ClinGen allele CA10647659.